The following is an entry in ClinVar:

ClinVar aggregate classification (germline): Likely benign (1 of 4 stars; one submission).

Conditions:
EPPK1-related disorder. Also called: EPPK1-related condition.

Submission:

PreventionGenetics, part of Exact Sciences
Classification: Likely benign for EPPK1-related condition. Last evaluated: 2021-06-01. Review status: criteria provided, single submitter. Criteria: ACMG Guidelines, 2015. Collection method: clinical testing. Allele origin: germline.
Comment: This variant is classified as likely benign based on ACMG/AMP sequence variant interpretation guidelines (Richards et al. 2015 PMID: 25741868, with internal and published modifications).

NM_031308.4(EPPK1):c.7119C>T (p.Asn2373=)

Gene: EPPK1 (epiplakin 1; minus strand). Cytogenetic location: 8q24.3.
Variant type: single nucleotide variant.
Coding change: c.7119C>T on transcript NM_031308.4 (MANE Select); coding-DNA position 7119, C replaced by T.
Protein change: p.Asn2373=; no amino-acid change (asparagine 2373 retained).
Molecular consequence: synonymous variant.
Genome position (GRCh38, 1-based): chr8:143,866,135, G>A on the plus strand (C>T on the coding strand, the complement: EPPK1 is on the minus strand). VCF-style: chr8-143866135-G-A.
Identifiers: ClinVar variation 3051806 (VCV003051806.1), dbSNP rs2539008956, ClinGen allele CA848824031.